The following is an entry in ClinVar:

NM_006361.6(HOXB13):c.70G>C (p.Gly24Arg)

Gene: HOXB13 (homeobox B13; minus strand). Cytogenetic location: 17q21.32.
Variant type: single nucleotide variant.
Coding change: c.70G>C on transcript NM_006361.6 (MANE Select); coding-DNA position 70, G replaced by C.
Protein change: p.Gly24Arg; replaces glycine 24 with arginine.
Molecular consequence: missense variant.
Genome position (GRCh38, 1-based): chr17:48,728,524, C>G on the plus strand (G>C on the coding strand, the complement: HOXB13 is on the minus strand). VCF-style: chr17-48728524-C-G. GRCh37 (hg19) VCF-style: chr17-46805886-C-G.
Other names: short protein forms G24R.
Identifiers: ClinVar variation 690954 (VCV000690954.16), dbSNP rs780947625, ClinGen allele CA400109609.

ClinVar aggregate classification (germline): Uncertain significance. Review status: criteria provided, multiple submitters, no conflicts (2 of 4 stars). 3 submissions from 3 submitters: Uncertain significance (2). 1 of the submissions does not count toward it. Last evaluated 2025-04-04.

Conditions:
Prostate cancer, hereditary, 1 (HPC1). Identifiers: Orphanet 1331, MedGen C4722327, MONDO:0011098, OMIM 601518.
Hereditary cancer-predisposing syndrome. Also called: Neoplastic Syndromes, Hereditary; Tumor predisposition; Hereditary neoplastic syndrome; Hereditary Cancer Syndrome. Identifiers: Orphanet 140162, MedGen C0027672, MeSH D009386, MONDO:0015356.

Allele frequency attached by ClinVar (database versions not stated): TOPMed below 0.00001.

Submissions (3):

Ambry Genetics
Classification: Uncertain significance for Hereditary cancer-predisposing syndrome. Last evaluated: 2025-04-04. Review status: criteria provided, single submitter. Criteria: Ambry Variant Classification Scheme 2023. Collection method: clinical testing. Allele origin: germline.
Comment: The p.G24R variant (also known as c.70G>C), located in coding exon 1 of the HOXB13 gene, results from a G to C substitution at nucleotide position 70. The glycine at codon 24 is replaced by arginine, an amino acid with dissimilar properties. This amino acid position is not well conserved in available vertebrate species. In addition, this alteration is predicted to be tolerated by in silico analysis. Since supporting evidence is limited at this time, the clinical significance of this alteration remains unclear.

Labcorp Genetics (formerly Invitae), Labcorp
Classification: Uncertain significance. Last evaluated: 2025-02-12. Review status: criteria provided, single submitter. Criteria: Invitae Variant Classification Sherloc (09022015). Collection method: clinical testing. Allele origin: germline.
Comment: This sequence change replaces glycine, which is neutral and non-polar, with arginine, which is basic and polar, at codon 24 of the HOXB13 protein (p.Gly24Arg). This variant is present in population databases (no rsID available, gnomAD 0.007%). This variant has not been reported in the literature in individuals affected with HOXB13-related conditions. ClinVar contains an entry for this variant (Variation ID: 690954). An algorithm developed to predict the effect of missense changes on protein structure and function (PolyPhen-2) suggests that this variant is likely to be tolerated. In summary, the available evidence is currently insufficient to determine the role of this variant in disease. Therefore, it has been classified as a Variant of Uncertain Significance.

Laboratory of Virology, Microbiology,  Quality and Medical Biotechnologies, Faculty of Sciences and Techniques - Mohammedia, Hassan II University of Casablanca
Classification: Uncertain significance for Prostate cancer, hereditary, 1. Review status: no assertion criteria provided. Collection method: clinical testing. Allele origin: somatic. Affected: yes. Not counted in ClinVar's aggregate classification.